The following is an entry in ClinVar:

ClinVar aggregate classification (germline): Conflicting classifications of pathogenicity. Review status: criteria provided, conflicting classifications (1 of 4 stars). 5 submissions from 5 submitters: Uncertain significance (1); Benign (1); Likely benign (3). Last evaluated 2026-01-27.

Conditions:
Tuberous sclerosis syndrome (TSC). Also called: Tuberous Sclerosis Complex; Tuberous sclerosis. Identifiers: Orphanet 805, MedGen C0041341, MONDO:0001734.
Tuberous sclerosis 2 (TSC2). Identifiers: Orphanet 805, MedGen C1860707, MONDO:0013199, OMIM 613254.
Lymphangiomyomatosis (LAM). Also called: Lymphangioleiomyomatosis, somatic; Lymphangioleiomyomatosis. Identifiers: Orphanet 538, MedGen C0751674, MONDO:0011705, OMIM 606690.

Allele frequency attached by ClinVar (database versions not stated): gnomAD 0.00001 and 0.00002; ExAC 0.00003; gnomAD exomes 0.00003; TOPMed 0.00004; ESP Exome Variant Server 0.00008.
gnomAD v4.1: 116 of 1,612,878 alleles (0.0072%); highest among the groups gnomAD compares: Non-Finnish European, 0.0095%; no homozygotes.

Submissions (5):

Labcorp Genetics (formerly Invitae), Labcorp
Classification: Likely benign for Tuberous sclerosis 2. Last evaluated: 2026-01-27. Review status: criteria provided, single submitter. Criteria: Invitae Variant Classification Sherloc (09022015). Collection method: clinical testing. Allele origin: germline.

Myriad Genetics, Inc.
Classification: Benign for Tuberous sclerosis 2. Last evaluated: 2024-09-09. Review status: criteria provided, single submitter. Criteria: Myriad Autosomal Dominant, Autosomal Recessive and X-Linked Classification Criteria (2023). Collection method: clinical testing. Allele origin: unknown.
Comment: This variant is considered benign. This variant is intronic and is not expected to impact mRNA splicing. This variant has been observed at a population frequency that is significantly greater than expected given the associated disease prevalence and penetrance.

Color Diagnostics, LLC DBA Color Health
Classification: Likely benign for Tuberous sclerosis syndrome. Last evaluated: 2022-11-22. Review status: criteria provided, single submitter. Criteria: ACMG Guidelines, 2015. Collection method: clinical testing. Allele origin: germline.

GeneDx
Classification: Likely benign. Last evaluated: 2021-08-11. Review status: criteria provided, single submitter. Criteria: GeneDx Variant Classification Process June 2021. Collection method: clinical testing. Allele origin: germline. Affected: yes.

Centre for Mendelian Genomics, University Medical Centre Ljubljana
Classification: Uncertain significance for Lymphangiomyomatosis. Last evaluated: 2019-05-16. Review status: criteria provided, single submitter. Criteria: ACMG Guidelines, 2015. Collection method: clinical testing. Allele origin: unknown. Affected: yes.
Comment: This variant was classified as: Uncertain significance. The available evidence on this variant's pathogenicity is insufficient or conflicting. The following ACMG criteria were applied in classifying this variant: BP4.

NM_000548.5(TSC2):c.3132-13C>T

Gene: TSC2 (TSC complex subunit 2; plus strand). Cytogenetic location: 16p13.3.
Variant type: single nucleotide variant.
Coding change: c.3132-13C>T on transcript NM_000548.5 (MANE Select); 13 bases into the intron before coding-DNA position 3132, C replaced by T.
Molecular consequence: intron variant.
Genome position (GRCh38, 1-based): chr16:2,079,263, C>T. VCF-style: chr16-2079263-C-T. GRCh37 (hg19) VCF-style: chr16-2129264-C-T.
Other names: c.3132-13C>T (NM_001114382.3); c.3003-13C>T (NM_021055.3, NM_001370405.1, NM_001363528.2); c.3000-13C>T (NM_001370404.1, NM_001077183.3); c.2892-13C>T (NM_001318827.2); c.2400-13C>T (NM_001318831.2); c.2856-13C>T (NM_001318829.2); c.3033-13C>T (NM_001318832.2).
Identifiers: ClinVar variation 930490 (VCV000930490.13), dbSNP rs371948435, ClinGen allele CA044431.